The following is an entry in ClinVar:

NM_000235.4(LIPA):c.684T>C (p.Phe228=)

Gene: LIPA (lipase A, lysosomal acid type; minus strand). Cytogenetic location: 10q23.31.
Variant type: single nucleotide variant.
Coding change: c.684T>C on transcript NM_000235.4 (MANE Select); coding-DNA position 684, T replaced by C.
Protein change: p.Phe228=; no amino-acid change (phenylalanine 228 retained).
Molecular consequence: synonymous variant.
Genome position (GRCh38, 1-based): chr10:89,223,822, A>G on the plus strand (T>C on the coding strand, the complement: LIPA is on the minus strand). VCF-style: chr10-89223822-A-G. GRCh37 (hg19) VCF-style: chr10-90983579-A-G.
Other names: c.684T>C, p.Phe228= (NM_001127605.3); c.336T>C, p.Phe112= (NM_001288979.2).
Identifiers: ClinVar variation 3047928 (VCV003047928.2), dbSNP rs2495580164, ClinGen allele CA470737859.

ClinVar aggregate classification (germline): Likely benign (0 of 4 stars; one submission).

Conditions:
LIPA-related disorder. Also called: LIPA-related disorders; LIPA-related condition.

Submission:

PreventionGenetics, part of Exact Sciences
Classification: Likely benign for LIPA-related condition. Last evaluated: 2022-03-15. Review status: no assertion criteria provided. Collection method: clinical testing. Allele origin: germline.
Comment: This variant is classified as likely benign based on ACMG/AMP sequence variant interpretation guidelines (Richards et al. 2015 PMID: 25741868, with internal and published modifications).